The following is an entry in ClinVar:

ClinVar aggregate classification (germline): Uncertain significance (1 of 4 stars; one submission).

gnomAD v4.1: 2 of 1,614,126 alleles (0.00012%); highest among the groups gnomAD compares: Non-Finnish European, 0.00017%; no homozygotes.

Submission:

Labcorp Genetics (formerly Invitae), Labcorp
Classification: Uncertain significance. Last evaluated: 2025-11-15. Review status: criteria provided, single submitter. Criteria: Invitae Variant Classification Sherloc (09022015). Collection method: clinical testing. Allele origin: germline.
Comment: This sequence change replaces proline, which is neutral and non-polar, with leucine, which is neutral and non-polar, at codon 545 of the BNC2 protein (p.Pro545Leu). This variant is not present in population databases (gnomAD no frequency). This variant has not been reported in the literature in individuals affected with BNC2-related conditions. An algorithm developed to predict the effect of missense changes on protein structure and function (PolyPhen-2) suggests that this variant is likely to be disruptive. In summary, the available evidence is currently insufficient to determine the role of this variant in disease. Therefore, it has been classified as a Variant of Uncertain Significance.

NM_017637.6(BNC2):c.1634C>T (p.Pro545Leu)

Gene: BNC2 (basonuclin zinc finger protein 2; minus strand). Cytogenetic location: 9p22.3.
Variant type: single nucleotide variant.
Coding change: c.1634C>T on transcript NM_017637.6 (MANE Select); coding-DNA position 1634, C replaced by T.
Protein change: p.Pro545Leu; replaces proline 545 with leucine.
Molecular consequence: missense variant.
Genome position (GRCh38, 1-based): chr9:16,436,560, G>A on the plus strand (C>T on the coding strand, the complement: BNC2 is on the minus strand). VCF-style: chr9-16436560-G-A. GRCh37 (hg19) VCF-style: chr9-16436558-G-A.
Other names: c.1508C>T, p.Pro503Leu (NM_001317939.2); c.1349C>T, p.Pro450Leu (NM_001317940.2); short protein forms P503L, P545L, P450L.
Identifiers: ClinVar variation 4731010 (VCV004731010.1).